The following is an entry in ClinVar:

ClinVar aggregate classification (germline): Uncertain significance (1 of 4 stars; one submission).

Conditions:
Early-infantile DEE. Also called: Ohtahara syndrome; Early infantile epileptic encephalopathy; Early infantile epileptic encephalopathy with suppression bursts. Identifiers: Orphanet 1934, MedGen C0393706, MONDO:0800491.

Submission:

Labcorp Genetics (formerly Invitae), Labcorp
Classification: Uncertain significance for Early-infantile DEE. Last evaluated: 2023-12-18. Review status: criteria provided, single submitter. Criteria: Invitae Variant Classification Sherloc (09022015). Collection method: clinical testing. Allele origin: germline.
Comment: This sequence change falls in intron 9 of the CACNA2D2 gene. It does not directly change the encoded amino acid sequence of the CACNA2D2 protein. It affects a nucleotide within the consensus splice site. This variant is not present in population databases (gnomAD no frequency). This variant has not been reported in the literature in individuals affected with CACNA2D2-related conditions. ClinVar contains an entry for this variant (Variation ID: 1021406). Variants that disrupt the consensus splice site are a relatively common cause of aberrant splicing (PMID: 17576681, 9536098). Algorithms developed to predict the effect of sequence changes on RNA splicing suggest that this variant may disrupt the consensus splice site. In summary, the available evidence is currently insufficient to determine the role of this variant in disease. Therefore, it has been classified as a Variant of Uncertain Significance.

Literature cited by the submitters: PubMed 17576681; PubMed 9536098.

NM_006030.4(CACNA2D2):c.893+6T>G

Gene: CACNA2D2 (calcium voltage-gated channel auxiliary subunit alpha2delta 2; minus strand). Cytogenetic location: 3p21.31.
Variant type: single nucleotide variant.
Coding change: c.893+6T>G on transcript NM_006030.4 (MANE Select); 6 bases into the intron after coding-DNA position 893, T replaced by G.
Molecular consequence: intron variant.
Genome position (GRCh38, 1-based): chr3:50,379,962, A>C on the plus strand (T>G on the coding strand, the complement: CACNA2D2 is on the minus strand). VCF-style: chr3-50379962-A-C. GRCh37 (hg19) VCF-style: chr3-50417393-A-C.
Other names: c.686+6T>G (NM_001291101.1); c.893+6T>G (NM_001005505.3, NM_001174051.3).
Identifiers: ClinVar variation 1021406 (VCV001021406.6), dbSNP rs1705217008, ClinGen allele CA1363925912.
Genomic context (GRCh38, chr3:50,379,962, plus strand): 5'-GGGCAGCAGAGTCTAGCCCATTGCCCGTCCCTGCCCCAGCCCCACTTGCCAGCACTGCTC[A>C]CTCACACATCCACGATGATGACCATGTCTTTGGGTGACGAGGCCCCCTGGATATACCTGC-3'